The following is an entry in ClinVar:

ClinVar aggregate classification (germline): Uncertain significance. Review status: criteria provided, multiple submitters, no conflicts (2 of 4 stars). 2 submissions from 2 submitters: Uncertain significance (2). Last evaluated 2022-08-16.

Submissions (2):

Labcorp Genetics (formerly Invitae), Labcorp
Classification: Uncertain significance. Last evaluated: 2022-08-16. Review status: criteria provided, single submitter. Criteria: Invitae Variant Classification Sherloc (09022015). Collection method: clinical testing. Allele origin: germline.
Comment: This sequence change replaces aspartic acid, which is acidic and polar, with tyrosine, which is neutral and polar, at codon 500 of the PDE6B protein (p.Asp500Tyr). This variant is not present in population databases (gnomAD no frequency). This variant has not been reported in the literature in individuals affected with PDE6B-related conditions. ClinVar contains an entry for this variant (Variation ID: 1469861). Algorithms developed to predict the effect of missense changes on protein structure and function are either unavailable or do not agree on the potential impact of this missense change (SIFT: "Deleterious"; PolyPhen-2: "Possibly Damaging"; Align-GVGD: "Class C15"). In summary, the available evidence is currently insufficient to determine the role of this variant in disease. Therefore, it has been classified as a Variant of Uncertain Significance.

Blueprint Genetics
Classification: Uncertain significance. Last evaluated: 2022-01-27. Review status: criteria provided, single submitter. Criteria: ACMG Guidelines, 2015. Collection method: clinical testing. Allele origin: germline.

NM_000283.4(PDE6B):c.1498G>T (p.Asp500Tyr)

Gene: PDE6B (phosphodiesterase 6B; plus strand). Cytogenetic location: 4p16.3.
Variant type: single nucleotide variant.
Coding change: c.1498G>T on transcript NM_000283.4 (MANE Select); coding-DNA position 1498, G replaced by T.
Protein change: p.Asp500Tyr; replaces aspartic acid 500 with tyrosine.
Molecular consequence: missense variant.
Genome position (GRCh38, 1-based): chr4:660,497, G>T. VCF-style: chr4-660497-G-T. GRCh37 (hg19) VCF-style: chr4-654286-G-T.
Other names: c.1498G>T, p.Asp500Tyr (NM_001145291.2); c.661G>T, p.Asp221Tyr (NM_001145292.2, NM_001350154.3, NM_001379246.1 and 1 more transcripts); c.343G>T, p.Asp115Tyr (NM_001350155.3); short protein forms D221Y, D500Y, D115Y.
Identifiers: ClinVar variation 1469861 (VCV001469861.7), dbSNP rs1287509484, ClinGen allele CA355915820.